The following is an entry in ClinVar:

NM_001110556.2(FLNA):c.16T>G (p.Ser6Ala)

Gene: FLNA (filamin A; minus strand). Cytogenetic location: Xq28.
Variant type: single nucleotide variant.
Coding change: c.16T>G on transcript NM_001110556.2 (MANE Select); coding-DNA position 16, T replaced by G.
Protein change: p.Ser6Ala; replaces serine 6 with alanine.
Molecular consequence: missense variant.
Genome position (GRCh38, 1-based): chrX:154,371,230, A>C on the plus strand (T>G on the coding strand, the complement: FLNA is on the minus strand). VCF-style: chrX-154371230-A-C. GRCh37 (hg19) VCF-style: chrX-153599598-A-C.
Other names: c.16T>G, p.Ser6Ala (NM_001456.4); short protein forms S6A.
Identifiers: ClinVar variation 2953488 (VCV002953488.3), dbSNP rs1557180289, ClinGen allele CA415255896.

ClinVar aggregate classification (germline): Uncertain significance (1 of 4 stars; one submission).

Conditions:
Heterotopia, periventricular, X-linked dominant (PVNH1). Also called: PERIVENTRICULAR NODULAR HETEROTOPIA 1; X-linked periventricular heterotopia; PERIVENTRICULAR NODULAR HETEROTOPIA 4; HETEROTOPIA, PERIVENTRICULAR, 1. Identifiers: Orphanet 2149, Orphanet 82004, MedGen C1848213, MONDO:0010233, OMIM 300049.
Melnick-Needles syndrome (MNS). Also called: Melnick-Needles Syndrome (FLNA-MNS); MELNICK-NEEDLES OSTEODYSPLASTY; OSTEODYSPLASTY OF MELNICK AND NEEDLES. Identifiers: Orphanet 2484, MedGen C0025237, MONDO:0010650, OMIM 309350.
Frontometaphyseal dysplasia (FMD1). Identifiers: Orphanet 1826, MedGen C0265293, MONDO:0015942.
Oto-palato-digital syndrome, type II (OPD2). Also called: Otopalatodigital Syndrome Type 2 (FLNA-OPD2); FACIOPALATOOSSEOUS SYNDROME; OPD II SYNDROME; Otopalatodigital Syndrome, Type II. Identifiers: Orphanet 669, Orphanet 90652, MedGen C1844696, MONDO:0010571, OMIM 304120.

Submission:

Labcorp Genetics (formerly Invitae), Labcorp
Classification: Uncertain significance for Oto-palato-digital syndrome, type II; Heterotopia, periventricular, X-linked dominant; Frontometaphyseal dysplasia; Melnick-Needles syndrome. Last evaluated: 2023-11-02. Review status: criteria provided, single submitter. Criteria: Invitae Variant Classification Sherloc (09022015). Collection method: clinical testing. Allele origin: germline.
Comment: This sequence change replaces serine, which is neutral and polar, with alanine, which is neutral and non-polar, at codon 6 of the FLNA protein (p.Ser6Ala). This variant is not present in population databases (gnomAD no frequency). This variant has not been reported in the literature in individuals affected with FLNA-related conditions. Advanced modeling of protein sequence and biophysical properties (such as structural, functional, and spatial information, amino acid conservation, physicochemical variation, residue mobility, and thermodynamic stability) performed at Invitae indicates that this missense variant is not expected to disrupt FLNA protein function with a negative predictive value of 95%. In summary, the available evidence is currently insufficient to determine the role of this variant in disease. Therefore, it has been classified as a Variant of Uncertain Significance.